The following is an entry in ClinVar:

ClinVar aggregate classification (germline): Uncertain significance (1 of 4 stars; one submission).

gnomAD v4.1: 78 of 1,548,836 alleles (0.005%); highest among the groups gnomAD compares: East Asian, 0.0094%; no homozygotes.

Submission:

Labcorp Genetics (formerly Invitae), Labcorp
Classification: Uncertain significance. Last evaluated: 2024-02-22. Review status: criteria provided, single submitter. Criteria: Invitae Variant Classification Sherloc (09022015). Collection method: clinical testing. Allele origin: germline.
Comment: This sequence change replaces arginine, which is basic and polar, with cysteine, which is neutral and slightly polar, at codon 355 of the GFM2 protein (p.Arg355Cys). This variant is present in population databases (rs770257461, gnomAD 0.04%). This variant has not been reported in the literature in individuals affected with GFM2-related conditions. Advanced modeling of protein sequence and biophysical properties (such as structural, functional, and spatial information, amino acid conservation, physicochemical variation, residue mobility, and thermodynamic stability) performed at Invitae indicates that this missense variant is not expected to disrupt GFM2 protein function with a negative predictive value of 80%. In summary, the available evidence is currently insufficient to determine the role of this variant in disease. Therefore, it has been classified as a Variant of Uncertain Significance.

NM_032380.5(GFM2):c.1063C>T (p.Arg355Cys)

Gene: GFM2 (GTP dependent ribosome recycling factor mitochondrial 2; minus strand). Cytogenetic location: 5q13.3.
Variant type: single nucleotide variant.
Coding change: c.1063C>T on transcript NM_032380.5 (MANE Select); coding-DNA position 1063, C replaced by T.
Protein change: p.Arg355Cys; replaces arginine 355 with cysteine.
Molecular consequence: missense variant. On other transcripts: non-coding transcript variant (1).
Genome position (GRCh38, 1-based): chr5:74,740,005, G>A on the plus strand (C>T on the coding strand, the complement: GFM2 is on the minus strand). VCF-style: chr5-74740005-G-A. GRCh37 (hg19) VCF-style: chr5-74035830-G-A.
Other names: c.1159C>T, p.Arg387Cys (NM_001281302.2); c.1063C>T, p.Arg355Cys (NM_170681.3, NM_170691.3); short protein forms R355C, R387C.
Identifiers: ClinVar variation 3628541 (VCV003628541.2).